The following is an entry in ClinVar:

ClinVar aggregate classification (germline): Uncertain significance (1 of 4 stars; one submission).

Conditions:
DICER1-related tumor predisposition. Also called: DICER1 syndrome; DICER1-related pleuropulmonary blastoma cancer predisposition syndrome. Identifiers: Orphanet 284343, MedGen C3839822, MONDO:0100216.

Submission:

Labcorp Genetics (formerly Invitae), Labcorp
Classification: Uncertain significance for DICER1-related tumor predisposition. Last evaluated: 2023-09-01. Review status: criteria provided, single submitter. Criteria: Invitae Variant Classification Sherloc (09022015). Collection method: clinical testing. Allele origin: germline.
Comment: In summary, the available evidence is currently insufficient to determine the role of this variant in disease. Therefore, it has been classified as a Variant of Uncertain Significance. Advanced modeling of protein sequence and biophysical properties (such as structural, functional, and spatial information, amino acid conservation, physicochemical variation, residue mobility, and thermodynamic stability) has been performed at Invitae for this missense variant, however the output from this modeling did not meet the statistical confidence thresholds required to predict the impact of this variant on DICER1 protein function. ClinVar contains an entry for this variant (Variation ID: 1045506). This variant has not been reported in the literature in individuals affected with DICER1-related conditions. This variant is not present in population databases (gnomAD no frequency). This sequence change replaces asparagine, which is neutral and polar, with lysine, which is basic and polar, at codon 982 of the DICER1 protein (p.Asn982Lys).

NM_177438.3(DICER1):c.2946T>G (p.Asn982Lys)

Gene: DICER1 (dicer 1, ribonuclease III; minus strand). Cytogenetic location: 14q32.13.
Variant type: single nucleotide variant.
Coding change: c.2946T>G on transcript NM_177438.3 (MANE Select); coding-DNA position 2946, T replaced by G.
Protein change: p.Asn982Lys; replaces asparagine 982 with lysine.
Molecular consequence: missense variant.
Genome position (GRCh38, 1-based): chr14:95,106,082, A>C on the plus strand (T>G on the coding strand, the complement: DICER1 is on the minus strand). VCF-style: chr14-95106082-A-C. GRCh37 (hg19) VCF-style: chr14-95572419-A-C.
Other names: c.2946T>G, p.Asn982Lys (NM_001195573.1, NM_001271282.3, NM_001291628.2 and 1 more transcripts); short protein forms N982K.
Identifiers: ClinVar variation 1045506 (VCV001045506.10), dbSNP rs1060503631, ClinGen allele CA390878888.